The following is an entry in ClinVar:

NM_199355.4(ADAMTS18):c.3265A>G (p.Ile1089Val)

Gene: ADAMTS18 (ADAM metallopeptidase with thrombospondin type 1 motif 18; minus strand). Cytogenetic location: 16q23.1.
Variant type: single nucleotide variant.
Coding change: c.3265A>G on transcript NM_199355.4 (MANE Select); coding-DNA position 3265, A replaced by G.
Protein change: p.Ile1089Val; replaces isoleucine 1089 with valine.
Molecular consequence: missense variant.
Genome position (GRCh38, 1-based): chr16:77,291,403, T>C on the plus strand (A>G on the coding strand, the complement: ADAMTS18 is on the minus strand). VCF-style: chr16-77291403-T-C. GRCh37 (hg19) VCF-style: chr16-77325300-T-C.
Other names: c.3265A>G (NM_199355.2); c.2749A>G, p.Ile917Val (NM_001326358.2); short protein forms I1089V, I917V.
Identifiers: ClinVar variation 1056710 (VCV001056710.10), dbSNP rs376810412, ClinGen allele CA8180521.

ClinVar aggregate classification (germline): Uncertain significance. Review status: criteria provided, multiple submitters, no conflicts (2 of 4 stars). 3 submissions from 3 submitters: Uncertain significance (3). Last evaluated 2024-11-18.

Conditions:
Inborn genetic diseases. Identifiers: MedGen C0950123, MeSH D030342.

gnomAD v4.1: 62 of 1,614,086 alleles (0.0038%); highest among the groups gnomAD compares: Non-Finnish European, 0.0045%; no homozygotes.

Submissions (3):

Blueprint Genetics
Classification: Uncertain significance. Last evaluated: 2024-11-18. Review status: criteria provided, single submitter. Criteria: ACMG Guidelines, 2015. Collection method: clinical testing. Allele origin: germline.

Labcorp Genetics (formerly Invitae), Labcorp
Classification: Uncertain significance. Last evaluated: 2024-11-11. Review status: criteria provided, single submitter. Criteria: Invitae Variant Classification Sherloc (09022015). Collection method: clinical testing. Allele origin: germline.
Comment: This sequence change replaces isoleucine, which is neutral and non-polar, with valine, which is neutral and non-polar, at codon 1089 of the ADAMTS18 protein (p.Ile1089Val). This variant is present in population databases (rs376810412, gnomAD 0.01%). This variant has not been reported in the literature in individuals affected with ADAMTS18-related conditions. ClinVar contains an entry for this variant (Variation ID: 1056710). An algorithm developed to predict the effect of missense changes on protein structure and function outputs the following: PolyPhen-2: "Benign". The valine amino acid residue is found in multiple mammalian species, which suggests that this missense change does not adversely affect protein function. In summary, the available evidence is currently insufficient to determine the role of this variant in disease. Therefore, it has been classified as a Variant of Uncertain Significance.

Ambry Genetics
Classification: Uncertain significance for Inborn genetic diseases. Last evaluated: 2023-06-27. Review status: criteria provided, single submitter. Criteria: Ambry Variant Classification Scheme 2023. Collection method: clinical testing. Allele origin: germline.